The following is an entry in ClinVar:

ClinVar aggregate classification (germline): Uncertain significance (1 of 4 stars; one submission).

Conditions:
Hereditary pheochromocytoma and paraganglioma. Also called: Hereditary Paraganglioma-Pheochromocytoma Syndromes; Hereditary pheochromocytoma-paraganglioma; Hereditary paragangliomas and pheochromocytomas. Identifiers: Orphanet 29072, MedGen C4274332, MONDO:0017366.

Submission:

Labcorp Genetics (formerly Invitae), Labcorp
Classification: Uncertain significance for Hereditary pheochromocytoma and paraganglioma. Last evaluated: 2023-09-29. Review status: criteria provided, single submitter. Criteria: Invitae Variant Classification Sherloc (09022015). Collection method: clinical testing. Allele origin: germline.
Comment: In summary, the available evidence is currently insufficient to determine the role of this variant in disease. Therefore, it has been classified as a Variant of Uncertain Significance. Variants that disrupt the consensus splice site are a relatively common cause of aberrant splicing (PMID: 17576681, 9536098). Algorithms developed to predict the effect of sequence changes on RNA splicing suggest that this variant is not likely to affect RNA splicing. This variant has not been reported in the literature in individuals affected with MAX-related conditions. This variant is not present in population databases (gnomAD no frequency). This sequence change falls in intron 4 of the MAX gene. It does not directly change the encoded amino acid sequence of the MAX protein. It affects a nucleotide within the consensus splice site.

Literature cited by the submitters: PubMed 17576681; PubMed 9536098.

NM_002382.5(MAX):c.295+3G>T

Gene: MAX (MYC associated transcriptional regulator X; minus strand). Cytogenetic location: 14q23.3.
Variant type: single nucleotide variant.
Coding change: c.295+3G>T on transcript NM_002382.5 (MANE Select); 3 bases into the intron after coding-DNA position 295, G replaced by T.
Molecular consequence: intron variant.
Genome position (GRCh38, 1-based): chr14:65,077,910, C>A on the plus strand (G>T on the coding strand, the complement: MAX is on the minus strand). VCF-style: chr14-65077910-C-A. GRCh37 (hg19) VCF-style: chr14-65544628-C-A.
Other names: c.144+15798G>T (NM_001271069.2); c.171+15798G>T (NM_197957.4); c.-73+3G>T (NM_001407112.1, NM_001407111.1); c.21+3G>T (NM_001407106.1, NM_001407107.1, NM_001320415.2 and 1 more transcripts); c.268+3G>T (NM_001407095.1, NM_001407110.1, NM_001407102.1 and 6 more transcripts); c.295+3G>T (NM_001407094.1, NM_001407104.1, NM_001407103.1 and 3 more transcripts); c.187+3G>T (NM_001407098.1).
Identifiers: ClinVar variation 2764395 (VCV002764395.3), dbSNP rs2139752001, ClinGen allele CA390034105.